The following is an entry in ClinVar:

ClinVar aggregate classification (germline): Uncertain significance (1 of 4 stars; one submission).

Submission:

Ambry Genetics
Classification: Uncertain significance. Last evaluated: 2021-09-29. Review status: criteria provided, single submitter. Criteria: Ambry Variant Classification Scheme 2023. Collection method: clinical testing. Allele origin: germline.
Comment: The p.K240N variant (also known as c.720A>T), located in coding exon 6 of the NQO1 gene, results from an A to T substitution at nucleotide position 720. The lysine at codon 240 is replaced by asparagine, an amino acid with similar properties. This amino acid position is conserved. In addition, this alteration is predicted to be tolerated by in silico analysis. Since supporting evidence is limited at this time, the clinical significance of this alteration remains unclear.

NM_000903.3(NQO1):c.720A>T (p.Lys240Asn)

Gene: NQO1 (NAD(P)H quinone dehydrogenase 1; minus strand). Cytogenetic location: 16q22.1.
Variant type: single nucleotide variant.
Coding change: c.720A>T on transcript NM_000903.3 (MANE Select); coding-DNA position 720, A replaced by T.
Protein change: p.Lys240Asn; replaces lysine 240 with asparagine.
Molecular consequence: missense variant.
Genome position (GRCh38, 1-based): chr16:69,711,081, T>A on the plus strand (A>T on the coding strand, the complement: NQO1 is on the minus strand). VCF-style: chr16-69711081-T-A. GRCh37 (hg19) VCF-style: chr16-69744984-T-A.
Other names: c.618A>T, p.Lys206Asn (NM_001025433.2); c.606A>T, p.Lys202Asn (NM_001025434.2); c.504A>T, p.Lys168Asn (NM_001286137.2); short protein forms K206N, K168N, K202N, K240N.
Identifiers: ClinVar variation 1757703 (VCV001757703.2), dbSNP rs1283535348, ClinGen allele CA396487523.